The following is an entry in ClinVar:

ClinVar aggregate classification (germline): Uncertain significance. Review status: criteria provided, multiple submitters, no conflicts (2 of 4 stars). 2 submissions from 2 submitters: Uncertain significance (2). Last evaluated 2025-07-14.

Conditions:
Hypertrophic cardiomyopathy 1 (CMH1). Also called: Familial hypertrophic cardiomyopathy 1; MYH7-Related Familial Hypertrophic Cardiomyopathy. Identifiers: MedGen C3495498, MONDO:0008647, OMIM 192600.

Allele frequency attached by ClinVar (database versions not stated): gnomAD 0.00001; gnomAD exomes 0.00001 and 0.00003; ExAC 0.00002; TOPMed 0.00002.
gnomAD v4.1: 10 of 1,613,946 alleles (0.00062%); highest among the groups gnomAD compares: Admixed American, 0.017%; no homozygotes.

Submissions (2):

Labcorp Genetics (formerly Invitae), Labcorp
Classification: Uncertain significance for Hypertrophic cardiomyopathy 1. Last evaluated: 2025-07-14. Review status: criteria provided, single submitter. Criteria: Invitae Variant Classification Sherloc (09022015). Collection method: clinical testing. Allele origin: germline.
Comment: This sequence change replaces glutamine, which is neutral and polar, with arginine, which is basic and polar, at codon 221 of the MYLK2 protein (p.Gln221Arg). This variant is present in population databases (rs750419427, gnomAD 0.02%). This variant has not been reported in the literature in individuals affected with MYLK2-related conditions. ClinVar contains an entry for this variant (Variation ID: 1024717). Invitae Evidence Modeling of protein sequence and biophysical properties (such as structural, functional, and spatial information, amino acid conservation, physicochemical variation, residue mobility, and thermodynamic stability) indicates that this missense variant is not expected to disrupt MYLK2 protein function with a negative predictive value of 80%. In summary, the available evidence is currently insufficient to determine the role of this variant in disease. Therefore, it has been classified as a Variant of Uncertain Significance.

Ambry Genetics
Classification: Uncertain significance. Last evaluated: 2023-10-10. Review status: criteria provided, single submitter. Criteria: Ambry Variant Classification Scheme 2023. Collection method: clinical testing. Allele origin: germline.
Comment: The p.Q221R variant (also known as c.662A>G), located in coding exon 3 of the MYLK2 gene, results from an A to G substitution at nucleotide position 662. The glutamine at codon 221 is replaced by arginine, an amino acid with highly similar properties. This amino acid position is conserved. In addition, this alteration is predicted to be tolerated by in silico analysis. Since supporting evidence is limited at this time, the clinical significance of this alteration remains unclear.

NM_033118.4(MYLK2):c.662A>G (p.Gln221Arg)

Gene: MYLK2 (myosin light chain kinase 2; plus strand). Cytogenetic location: 20q11.21.
Variant type: single nucleotide variant.
Coding change: c.662A>G on transcript NM_033118.4 (MANE Select); coding-DNA position 662, A replaced by G.
Protein change: p.Gln221Arg; replaces glutamine 221 with arginine.
Molecular consequence: missense variant.
Genome position (GRCh38, 1-based): chr20:31,821,627, A>G. VCF-style: chr20-31821627-A-G. GRCh37 (hg19) VCF-style: chr20-30409430-A-G.
Other names: c.662A>G (NM_033118.3); short protein forms Q221R.
Identifiers: ClinVar variation 1024717 (VCV001024717.9), dbSNP rs750419427, ClinGen allele CA9802969.